The following is an entry in ClinVar:

NM_017852.5(NLRP2):c.1053G>A (p.Pro351=)

Gene: NLRP2 (NLR family pyrin domain containing 2; plus strand). Cytogenetic location: 19q13.42.
Variant type: single nucleotide variant.
Coding change: c.1053G>A on transcript NM_017852.5 (MANE Select); coding-DNA position 1053, G replaced by A.
Protein change: p.Pro351=; no amino-acid change (proline 351 retained).
Molecular consequence: synonymous variant. On other transcripts: non-coding transcript variant (1).
Genome position (GRCh38, 1-based): chr19:54,982,751, G>A. VCF-style: chr19-54982751-G-A. GRCh37 (hg19) VCF-style: chr19-55494119-G-A.
Other names: c.1053G>A, p.Pro351= (NM_001174081.3); c.987G>A, p.Pro329= (NM_001174082.3); c.984G>A, p.Pro328= (NM_001174083.2); c.1044G>A, p.Pro348= (NM_001348003.2).
Identifiers: ClinVar variation 103048 (VCV000103048.2), dbSNP rs199475714, ClinGen allele CA230020.
Genomic context (GRCh38, chr19:54,982,751, plus strand): 5'-CCTGCTGGTCACCACGCGGCCCAGGGCCCTGAGGGACCTCCGGATCCTGGCGGAGGAGCC[G>A]ATCTACATAAGGGTGGAGGGCTTCCTGGAGGAGGACAGGAGGGCCTATTTCCTGAGACAC-3'
Protein context (NP_060322.1, residues 341-361): LRDLRILAEE[Pro351=]IYIRVEGFLE

ClinVar aggregate classification (germline): not provided (0 of 4 stars; one submission).

Allele frequency attached by ClinVar (database versions not stated): TOPMed 0.00016; 1000 Genomes Project 0.00020; 1000 Genomes Project 30x 0.00031.
gnomAD v4.1: 66 of 1,614,146 alleles (0.0041%); highest among the groups gnomAD compares: East Asian, 0.074%; no homozygotes.

Submission:

Human Evolutionary Genetics, Institut Pasteur
No classification provided. Review status: no classification provided. Collection method: not provided. Allele origin: germline.
ClinVar note: Converted during submission from untested to not provided.